The following is an entry in ClinVar:

ClinVar aggregate classification (germline): Uncertain significance (1 of 4 stars; one submission).

Conditions:
Congenital contractural arachnodactyly (CCA). Also called: Beals-Hecht syndrome; BEALS SYNDROME; Arthrogryposis, distal, type 9. Identifiers: Orphanet 115, MedGen C0220668, MONDO:0007363, OMIM 121050.

Submission:

Labcorp Genetics (formerly Invitae), Labcorp
Classification: Uncertain significance for Congenital contractural arachnodactyly. Last evaluated: 2025-12-09. Review status: criteria provided, single submitter. Criteria: Invitae Variant Classification Sherloc (09022015). Collection method: clinical testing. Allele origin: germline.
Comment: This sequence change replaces arginine, which is basic and polar, with cysteine, which is neutral and slightly polar, at codon 1893 of the FBN2 protein (p.Arg1893Cys). This variant is not present in population databases (gnomAD no frequency). This variant has not been reported in the literature in individuals affected with FBN2-related conditions. An algorithm developed to predict the effect of missense changes on protein structure and function (PolyPhen-2) suggests that this variant is likely to be disruptive. In summary, the available evidence is currently insufficient to determine the role of this variant in disease. Therefore, it has been classified as a Variant of Uncertain Significance.

NM_001999.4(FBN2):c.5677C>T (p.Arg1893Cys)

Gene: FBN2 (fibrillin 2; minus strand). Cytogenetic location: 5q23.3.
Variant type: single nucleotide variant.
Coding change: c.5677C>T on transcript NM_001999.4 (MANE Select); coding-DNA position 5677, C replaced by T.
Protein change: p.Arg1893Cys; replaces arginine 1893 with cysteine.
Molecular consequence: missense variant.
Genome position (GRCh38, 1-based): chr5:128,305,080, G>A on the plus strand (C>T on the coding strand, the complement: FBN2 is on the minus strand). VCF-style: chr5-128305080-G-A. GRCh37 (hg19) VCF-style: chr5-127640772-G-A.
Other names: short protein forms R1893C.
Identifiers: ClinVar variation 4737684 (VCV004737684.1).
Genomic context (GRCh38, chr5:128,305,080, plus strand): 5'-CTTGCAGATCAACACACAAGCCATGACTGCAAACGTTAGGAATTTCTAAACATTCATTGC[G>A]ATCTAAAACAGAAAAAAATAAATGTTACATGTATCTGATTTTTATTAAGATTTCTTCATT-3'
Protein context (NP_001990.2, residues 1883-1903): KLSPNGACVD[Arg1893Cys]NECLEIPNVC